The following is an entry in ClinVar:

NM_004944.4(DNASE1L3):c.320+1G>C

Gene: DNASE1L3 (deoxyribonuclease 1L3; minus strand). Cytogenetic location: 3p14.3.
Variant type: single nucleotide variant.
Coding change: c.320+1G>C on transcript NM_004944.4 (MANE Select); the canonical splice donor site of the intron after coding-DNA position 320, G replaced by C.
Molecular consequence: splice donor variant. On other transcripts: intron variant (1).
Genome position (GRCh38, 1-based): chr3:58,205,470, C>G on the plus strand (G>C on the coding strand, the complement: DNASE1L3 is on the minus strand). VCF-style: chr3-58205470-C-G. GRCh37 (hg19) VCF-style: chr3-58191197-C-G.
Other names: c.231-589G>C (NM_001256560.2).
Identifiers: ClinVar variation 4771076 (VCV004771076.1).

ClinVar aggregate classification (germline): Likely pathogenic (1 of 4 stars; one submission).

gnomAD v4.1: 2 of 1,612,806 alleles (0.00012%); highest among the groups gnomAD compares: Admixed American, 0.0033%; no homozygotes.

Submission:

Labcorp Genetics (formerly Invitae), Labcorp
Classification: Likely pathogenic. Last evaluated: 2025-09-11. Review status: criteria provided, single submitter. Criteria: Invitae Variant Classification Sherloc (09022015). Collection method: clinical testing. Allele origin: germline.
Comment: This sequence change affects a donor splice site in intron 3 of the DNASE1L3 gene. It is expected to disrupt RNA splicing. Variants that disrupt the donor or acceptor splice site typically lead to a loss of protein function (PMID: 16199547), and loss-of-function variants in DNASE1L3 are known to be pathogenic (PMID: 24206041, 27821515). This variant is present in population databases (no rsID available, gnomAD 0.1%). This variant has not been reported in the literature in individuals affected with DNASE1L3-related conditions. Algorithms developed to predict the effect of sequence changes on RNA splicing suggest that this variant may disrupt the consensus splice site. In summary, the currently available evidence indicates that the variant is pathogenic, but additional data are needed to prove that conclusively. Therefore, this variant has been classified as Likely Pathogenic.

Literature cited by the submitters: PubMed 16199547; PubMed 24206041; PubMed 27821515.